The following is an entry in ClinVar:

ClinVar aggregate classification (germline): Uncertain significance (1 of 4 stars; one submission).

Conditions:
Exostoses, multiple, type 2 (EXT2). Also called: Hereditary Multiple Osteochondromatosis, Type II; EXOSTOSES, MULTIPLE, TYPE II. Identifiers: Orphanet 321, MedGen C1851413, MONDO:0007586, OMIM 133701.

Submission:

Labcorp Genetics (formerly Invitae), Labcorp
Classification: Uncertain significance for Exostoses, multiple, type 2. Last evaluated: 2022-10-17. Review status: criteria provided, single submitter. Criteria: Invitae Variant Classification Sherloc (09022015). Collection method: clinical testing. Allele origin: germline.
Comment: In summary, the available evidence is currently insufficient to determine the role of this variant in disease. Therefore, it has been classified as a Variant of Uncertain Significance. Variants that disrupt the consensus splice site are a relatively common cause of aberrant splicing (PMID: 17576681, 9536098). Algorithms developed to predict the effect of sequence changes on RNA splicing suggest that this variant is not likely to affect RNA splicing. This variant has not been reported in the literature in individuals affected with EXT2-related conditions. This variant is not present in population databases (gnomAD no frequency). This sequence change falls in intron 10 of the EXT2 gene. It does not directly change the encoded amino acid sequence of the EXT2 protein. It affects a nucleotide within the consensus splice site.

Literature cited by the submitters: PubMed 17576681; PubMed 9536098.

NM_207122.2(EXT2):c.1662+4A>C

Gene: EXT2 (exostosin glycosyltransferase 2; plus strand). Cytogenetic location: 11p11.2.
Variant type: single nucleotide variant.
Coding change: c.1662+4A>C on transcript NM_207122.2 (MANE Select); 4 bases into the intron after coding-DNA position 1662, A replaced by C.
Molecular consequence: intron variant.
Genome position (GRCh38, 1-based): chr11:44,206,963, A>C. VCF-style: chr11-44206963-A-C. GRCh37 (hg19) VCF-style: chr11-44228513-A-C.
Other names: c.1662+4A>C (NM_001389630.1, NM_001389628.1); c.1692+4A>C (NM_001178083.3); c.1761+4A>C (NM_000401.3).
Identifiers: ClinVar variation 2013664 (VCV002013664.4), dbSNP rs2539734364, ClinGen allele CA2580084102.